The following is an entry in ClinVar:

NM_000094.4(COL7A1):c.4166G>T (p.Gly1389Val)

Gene: COL7A1 (collagen type VII alpha 1 chain; minus strand). Cytogenetic location: 3p21.31.
Variant type: single nucleotide variant.
Coding change: c.4166G>T on transcript NM_000094.4 (MANE Select); coding-DNA position 4166, G replaced by T.
Protein change: p.Gly1389Val; replaces glycine 1389 with valine.
Molecular consequence: missense variant.
Genome position (GRCh38, 1-based): chr3:48,584,329, C>A on the plus strand (G>T on the coding strand, the complement: COL7A1 is on the minus strand). VCF-style: chr3-48584329-C-A. GRCh37 (hg19) VCF-style: chr3-48621762-C-A.
Other names: short protein forms G1389V.
Identifiers: ClinVar variation 1981275 (VCV001981275.1), dbSNP rs1253203246, ClinGen allele CA352695223.

ClinVar aggregate classification (germline): Uncertain significance (1 of 4 stars; one submission).

Submission:

Labcorp Genetics (formerly Invitae), Labcorp
Classification: Uncertain significance. Last evaluated: 2020-06-24. Review status: criteria provided, single submitter. Criteria: Invitae Variant Classification Sherloc (09022015). Collection method: clinical testing. Allele origin: germline.
Comment: This sequence change replaces glycine with valine at codon 1389 of the COL7A1 protein (p.Gly1389Val). The glycine residue is highly conserved and there is a moderate physicochemical difference between glycine and valine. This variant is not present in population databases (ExAC no frequency). This variant has not been reported in the literature in individuals with COL7A1-related conditions. In summary, the available evidence is currently insufficient to determine the role of this variant in disease. Therefore, it has been classified as a Variant of Uncertain Significance.